The following is an entry in ClinVar:

NM_000170.3(GLDC):c.2537C>A (p.Thr846Lys)

Gene: GLDC (glycine decarboxylase; minus strand). Cytogenetic location: 9p24.1.
Variant type: single nucleotide variant.
Coding change: c.2537C>A on transcript NM_000170.3 (MANE Select); coding-DNA position 2537, C replaced by A.
Protein change: p.Thr846Lys; replaces threonine 846 with lysine.
Molecular consequence: missense variant.
Genome position (GRCh38, 1-based): chr9:6,550,835, G>T on the plus strand (C>A on the coding strand, the complement: GLDC is on the minus strand). VCF-style: chr9-6550835-G-T. GRCh37 (hg19) VCF-style: chr9-6550835-G-T.
Other names: short protein forms T846K.
Identifiers: ClinVar variation 2150979 (VCV002150979.1), dbSNP rs747336541, ClinGen allele CA4980182.

ClinVar aggregate classification (germline): Conflicting classifications of pathogenicity. Review status: criteria provided, conflicting classifications (1 of 4 stars). 2 submissions from 2 submitters: Uncertain significance (1); Likely benign (1). Last evaluated 2025-11-24.

Conditions:
Glycine encephalopathy. Also called: Non-ketotic hyperglycinemia; Nonketotic hyperglycinemia. Identifiers: Orphanet 407, MedGen C0751748, MONDO:0011612, HP:0008288.
Inborn genetic diseases. Identifiers: MedGen C0950123, MeSH D030342.

Allele frequency attached by ClinVar (database versions not stated): ExAC 0.00002.

Submissions (2):

Ambry Genetics
Classification: Likely benign for Inborn genetic diseases. Last evaluated: 2025-11-24. Review status: criteria provided, single submitter. Criteria: Ambry Variant Classification Scheme 2023. Collection method: clinical testing. Allele origin: germline.

Labcorp Genetics (formerly Invitae), Labcorp
Classification: Uncertain significance for Glycine encephalopathy. Last evaluated: 2022-10-17. Review status: criteria provided, single submitter. Criteria: Invitae Variant Classification Sherloc (09022015). Collection method: clinical testing. Allele origin: germline.
Comment: This sequence change replaces threonine, which is neutral and polar, with lysine, which is basic and polar, at codon 846 of the GLDC protein (p.Thr846Lys). This variant is present in population databases (rs747336541, gnomAD 0.004%). This variant has not been reported in the literature in individuals affected with GLDC-related conditions. Advanced modeling of protein sequence and biophysical properties (such as structural, functional, and spatial information, amino acid conservation, physicochemical variation, residue mobility, and thermodynamic stability) performed at Invitae indicates that this missense variant is not expected to disrupt GLDC protein function. In summary, the available evidence is currently insufficient to determine the role of this variant in disease. Therefore, it has been classified as a Variant of Uncertain Significance.